The following is an entry in ClinVar:

NM_000053.4(ATP7B):c.2355+4A>G

Gene: ATP7B (ATPase copper transporting beta; minus strand). Cytogenetic location: 13q14.3.
Variant type: single nucleotide variant.
Coding change: c.2355+4A>G on transcript NM_000053.4 (MANE Select); 4 bases into the intron after coding-DNA position 2355, A replaced by G.
Molecular consequence: intron variant.
Genome position (GRCh38, 1-based): chr13:51,958,307, T>C on the plus strand (A>G on the coding strand, the complement: ATP7B is on the minus strand). VCF-style: chr13-51958307-T-C. GRCh37 (hg19) VCF-style: chr13-52532443-T-C.
Other names: c.2022+4A>G (NM_001243182.2); c.1870-700A>G (NM_001005918.3); c.2103+4A>G (NM_001330579.2); c.2122-700A>G (NM_001330578.2).
Identifiers: ClinVar variation 551811 (VCV000551811.21), dbSNP rs776572343, ClinGen allele CA6989055.

ClinVar aggregate classification (germline): Conflicting classifications of pathogenicity. Review status: criteria provided, conflicting classifications (1 of 4 stars). 10 submissions from 10 submitters: Likely pathogenic (2); Uncertain significance (7). 1 of the submissions does not count toward it. Last evaluated 2025-11-22.

Conditions:
Inborn genetic diseases. Identifiers: MedGen C0950123, MeSH D030342.
Wilson disease (WND). Also called: Wilson's disease. Identifiers: Orphanet 905, MedGen C0019202, MONDO:0010200, OMIM 277900. Disease mechanism: loss of function.

Allele frequency attached by ClinVar (database versions not stated): gnomAD exomes below 0.00001 and 0.00001; TOPMed below 0.00001; ExAC 0.00001; gnomAD 0.00001.
gnomAD v4.1: 4 of 1,613,980 alleles (0.00025%); highest among the groups gnomAD compares: Admixed American, 0.0017%; no homozygotes.

Submissions (10):

Labcorp Genetics (formerly Invitae), Labcorp
Classification: Likely pathogenic for Wilson disease. Last evaluated: 2025-11-22. Review status: criteria provided, single submitter. Criteria: Invitae Variant Classification Sherloc (09022015). Collection method: clinical testing. Allele origin: germline.
Comment: This sequence change falls in intron 8 of the ATP7B gene. It does not directly change the encoded amino acid sequence of the ATP7B protein. It affects a nucleotide within the consensus splice site. This variant is present in population databases (rs776572343, gnomAD 0.003%). This variant has been observed in individual(s) with Wilson disease (PMID: 18373411; internal data). ClinVar contains an entry for this variant (Variation ID: 551811). Variants that disrupt the consensus splice site are a relatively common cause of aberrant splicing (PMID: 17576681, 9536098). Algorithms developed to predict the effect of sequence changes on RNA splicing suggest that this variant may disrupt the consensus splice site. In summary, the currently available evidence indicates that the variant is pathogenic, but additional data are needed to prove that conclusively. Therefore, this variant has been classified as Likely Pathogenic.

Color Diagnostics, LLC DBA Color Health
Classification: Uncertain significance for Wilson disease. Last evaluated: 2025-06-24. Review status: criteria provided, single submitter. Criteria: ACMG Guidelines, 2015. Collection method: clinical testing. Allele origin: germline.
Comment: This variant causes an A to G nucleotide substitution at the +4 position of intron 8 of the ATP7B gene. Splice site prediction tools are inconclusive regarding the impact of this variant on RNA splicing. To our knowledge, functional studies have not been reported for this variant. This variant has been reported in an individual affected with Wilson disease (PMID: 18373411). This variant has been identified in 1/249180 chromosomes in the general population by the Genome Aggregation Database (gnomAD). The available evidence is insufficient to determine the role of this variant in disease conclusively. Therefore, this variant is classified as a Variant of Uncertain Significance.

Women's Health and Genetics/Laboratory Corporation of America, LabCorp
Classification: Uncertain significance. Last evaluated: 2025-06-24. Review status: criteria provided, single submitter. Criteria: LabCorp Variant Classification Summary - May 2015. Collection method: clinical testing. Allele origin: germline.
Comment: Variant summary: ATP7B c.2355+4A>G alters a non-conserved nucleotide located close to a canonical splice site and therefore could affect mRNA splicing, leading to a significantly altered protein sequence. Several computational tools predict a significant impact on normal splicing: Three predict the variant weakens a 5' donor site. However, these predictions have yet to be confirmed by functional studies. The variant allele was found at a frequency of 4e-06 in 249243 control chromosomes. c.2355+4A>G has been observed in individuals affected with Wilson Disease as a homozygous or unreported genotype (e.g. Davies_2008, Internal data). Additionally, a poster abstract reports the variant to result in a aberrant splicing via minigene assay (Cox_ATP7B_AASLD Abstracts_2010), however no data was reported and the data is not included in any peer-reviewed journal publications. These data indicate that the variant may be associated with disease. The following publication has been ascertained in the context of this evaluation (PMID: 18373411). ClinVar contains an entry for this variant (Variation ID: 551811). Based on the evidence outlined above, the variant was classified as VUS-possibly pathogenic.

ARUP Laboratories, Molecular Genetics and Genomics, ARUP Laboratories
Classification: Uncertain significance for Wilson disease. Last evaluated: 2024-08-26. Review status: criteria provided, single submitter. Criteria: ARUP Molecular Germline Variant Investigation Process 2024. Collection method: clinical testing. Allele origin: germline.
Comment: The ATP7B c.2355+4A>G variant (rs776572343) is reported in the literature in an individual affected with a diagnosis or suspicion of Wilson disease, although it is unclear if this individual carried additional variants in ATP7B (Davies 2008). The c.2355+4A>G variant is only observed on one allele in the Genome Aggregation Database (v2.1.1), indicating it is not a common polymorphism. This is an intronic variant in a moderately conserved nucleotide, and computational analyses (Alamut v.2.11) predict that this variant may impact splicing by weakening the nearby canonical donor splice site. However, given the lack of clinical and functional data, the significance of the c.2355+4A>G variant is uncertain at this time. References: Davies LP et al. New mutations in the Wilson disease gene, ATP7B: implications for molecular testing. Genet Test. 2008 Mar;12(1):139-45. PMID: 18373411.

Fulgent Genetics
Classification: Likely pathogenic for Wilson disease. Last evaluated: 2024-03-24. Review status: criteria provided, single submitter. Criteria: ACMG Guidelines, 2015. Collection method: clinical testing. Allele origin: germline.

All of Us Research Program, National Institutes of Health
Classification: Uncertain significance for Wilson disease. Last evaluated: 2023-02-24. Review status: criteria provided, single submitter. Criteria: ACMG Guidelines, 2015. Collection method: clinical testing. Allele origin: germline. Inheritance: Autosomal recessive inheritance. Observed: 2 variant alleles, 2 heterozygotes.
Comment: This variant causes an A to G nucleotide substitution at the +4 position of intron 8 of the ATP7B gene. Splice site prediction tools are inconclusive regarding the impact of this variant on RNA splicing. To our knowledge, functional studies have not been reported for this variant. This variant has not been reported in individuals affected with ATP7B-related disorders in the literature. This variant has been identified in 1/249180 chromosomes in the general population by the Genome Aggregation Database (gnomAD). The available evidence is insufficient to determine the role of this variant in disease conclusively. Therefore, this variant is classified as a Variant of Uncertain Significance.

This study involves interpretation of variants in research participants for the purpose of population health screening. Participant phenotype was not available at the time of variant classification. Additional details can be found in publication PMID: 35346344, PMCID: PMC8962531

Genome-Nilou Lab
Classification: Uncertain significance for Wilson disease. Last evaluated: 2021-08-10. Review status: criteria provided, single submitter. Criteria: ACMG Guidelines, 2015. Collection method: clinical testing. Allele origin: germline. Affected: no.

Blueprint Genetics
Classification: Uncertain significance. Last evaluated: 2019-12-10. Review status: criteria provided, single submitter. Criteria: ACMG Guidelines, 2015. Collection method: clinical testing. Allele origin: germline.

Ambry Genetics
Classification: Uncertain significance for Inborn genetic diseases. Last evaluated: 2016-04-08. Review status: criteria provided, single submitter. Criteria: Ambry Variant Classification Scheme 2023. Collection method: clinical testing. Allele origin: germline.
Comment: The c.2355+4A>G intronic variant results from an A to G substitution 4 nucleotides after coding exon 8 in the ATP7B gene. This variant was identified in one individual with biochemical testing suggestive of a diagnosis of Wilson disease; however, additional genotype and phenotype information were not provided (Davies LP, Genet. Test. 2008 Mar; 12(1):139-45). This variant was not reported in population based cohorts in the following databases: Database of Single Nucleotide Polymorphisms (dbSNP), NHLBI Exome Sequencing Project (ESP), and 1000 Genomes Project. In the ESP, this variant was not observed in 6109 samples (12218 alleles) with coverage at this position. This nucleotide position is not well conserved in available vertebrate species. Using the BDGP and ESEfinder splice site prediction tools, this alteration is predicted to weaken the efficiency of the native splice donor site; however, direct evidence is unavailable. Since supporting evidence is limited at this time, the clinical significance of this variant remains unclear.

Counsyl
Classification: Uncertain significance for Wilson disease. Last evaluated: 2017-05-08. Review status: no assertion criteria provided. Collection method: clinical testing. Allele origin: unknown. Not counted in ClinVar's aggregate classification.

Literature cited by the submitters: PubMed 18373411 (cited by 5 submitters); PubMed 17576681 (cited by Labcorp Genetics (formerly Invitae), Labcorp); PubMed 9536098 (cited by Labcorp Genetics (formerly Invitae), Labcorp); PubMed 20465995 (cited by Women's Health and Genetics/Laboratory Corporation of America, LabCorp); PubMed 25525159 (cited by Counsyl).